The following is an entry in ClinVar:

ClinVar aggregate classification (germline): Uncertain significance (1 of 4 stars; one submission).

Conditions:
Cardiac arrhythmia. Also called: Arrhythmia; Cardiac rhythm disease. Identifiers: MedGen C0003811, MONDO:0007263, HP:0011675.

Submission:

Color Diagnostics, LLC DBA Color Health
Classification: Uncertain significance for Cardiac arrhythmia. Last evaluated: 2025-07-21. Review status: criteria provided, single submitter. Criteria: ACMG Guidelines, 2015. Collection method: clinical testing. Allele origin: germline.
Comment: This missense variant replaces glycine with serine at codon 229 of the KCNQ1 protein. This variant is located within the conserved cytoplasmic linker (a.a. 249-261) of the KCNQ1 protein. Rare non-truncating variants in this region have been shown to be significantly overrepresented in individuals with long QT syndrome (PMID: 32893267). Computational prediction suggests that this variant may have a deleterious impact on protein structure and function. To our knowledge, functional studies have not been reported for this variant. This variant has been reported in an individual affected with sudden cardiac death and in two relatives who were diagnosed with long QT syndrome in familial screening (PMID: 28912206). This variant has not been identified in the general population by the Genome Aggregation Database (gnomAD). The available evidence is insufficient to determine the role of this variant in disease conclusively. Therefore, this variant is classified as a Variant of Uncertain Significance.

Literature cited by the submitters: PubMed 28912206; PubMed 32893267.

NM_000218.3(KCNQ1):c.685G>A (p.Gly229Ser)

Gene: KCNQ1 (potassium voltage-gated channel subfamily Q member 1; plus strand). Cytogenetic location: 11p15.5.
Variant type: single nucleotide variant.
Coding change: c.685G>A on transcript NM_000218.3 (MANE Select); coding-DNA position 685, G replaced by A.
Protein change: p.Gly229Ser; replaces glycine 229 with serine.
Molecular consequence: missense variant. On other transcripts: intron variant (1).
Genome position (GRCh38, 1-based): chr11:2,572,014, G>A. VCF-style: chr11-2572014-G-A. GRCh37 (hg19) VCF-style: chr11-2593244-G-A.
Other names: c.685G>A, p.Gly229Ser (NM_001406836.1); c.415G>A, p.Gly139Ser (NM_001406837.1); c.304G>A, p.Gly102Ser (NM_181798.2); c.478-11421G>A (NM_001406838.1); short protein forms G102S, G139S, G229S.
Identifiers: ClinVar variation 2773466 (VCV002773466.3), dbSNP rs2493671439, ClinGen allele CA379130899.